The following is an entry in ClinVar:

ClinVar aggregate classification (germline): Uncertain significance. Review status: criteria provided, multiple submitters, no conflicts (2 of 4 stars). 3 submissions from 3 submitters: Uncertain significance (3). Last evaluated 2023-12-22.

Conditions:
Cone-rod dystrophy 6 (CORD6). Also called: RETINAL CONE DYSTROPHY 2; Cone dystrophy progressive. Identifiers: Orphanet 1872, MedGen C1866293, MONDO:0011143, OMIM 601777.
Leber congenital amaurosis 1 (LCA1). Also called: RETINAL BLINDNESS, CONGENITAL; Congenital absence of the rods and cones; Leber's congenital tapetoretinal degeneration; Leber's congenital tapetoretinal dysplasia; AMAUROSIS CONGENITA OF LEBER I. Identifiers: Orphanet 65, MedGen C2931258, MONDO:0008764, OMIM 204000.
Inborn genetic diseases. Identifiers: MedGen C0950123, MeSH D030342.

gnomAD v4.1: 8 of 1,613,966 alleles (0.0005%); highest among the groups gnomAD compares: Admixed American, 0.0033%; no homozygotes.

Submissions (3):

Ambry Genetics
Classification: Uncertain significance for Inborn genetic diseases. Last evaluated: 2023-12-22. Review status: criteria provided, single submitter. Criteria: Ambry Variant Classification Scheme 2023. Collection method: clinical testing. Allele origin: germline.

Blueprint Genetics
Classification: Uncertain significance. Last evaluated: 2023-03-28. Review status: criteria provided, single submitter. Criteria: ACMG Guidelines, 2015. Collection method: clinical testing. Allele origin: germline.

Labcorp Genetics (formerly Invitae), Labcorp
Classification: Uncertain significance for Leber congenital amaurosis 1; Cone-rod dystrophy 6. Last evaluated: 2022-06-07. Review status: criteria provided, single submitter. Criteria: Invitae Variant Classification Sherloc (09022015). Collection method: clinical testing. Allele origin: germline.
Comment: This sequence change replaces arginine, which is basic and polar, with tryptophan, which is neutral and slightly polar, at codon 812 of the GUCY2D protein (p.Arg812Trp). This variant is present in population databases (no rsID available, gnomAD 0.003%). This variant has not been reported in the literature in individuals affected with GUCY2D-related conditions. Algorithms developed to predict the effect of missense changes on protein structure and function (SIFT, PolyPhen-2, Align-GVGD) all suggest that this variant is likely to be disruptive. In summary, the available evidence is currently insufficient to determine the role of this variant in disease. Therefore, it has been classified as a Variant of Uncertain Significance.

NM_000180.4(GUCY2D):c.2434C>T (p.Arg812Trp)

Gene: GUCY2D (guanylate cyclase 2D, retinal; plus strand). Cytogenetic location: 17p13.1.
Variant type: single nucleotide variant.
Coding change: c.2434C>T on transcript NM_000180.4 (MANE Select); coding-DNA position 2434, C replaced by T.
Protein change: p.Arg812Trp; replaces arginine 812 with tryptophan.
Molecular consequence: missense variant.
Genome position (GRCh38, 1-based): chr17:8,014,622, C>T. VCF-style: chr17-8014622-C-T. GRCh37 (hg19) VCF-style: chr17-7917940-C-T.
Other names: c.2434C>T (NM_000180.3); short protein forms R812W.
Identifiers: ClinVar variation 2139003 (VCV002139003.3), dbSNP rs894774212, ClinGen allele CA397953432.